The following is an entry in ClinVar:

ClinVar aggregate classification (germline): Benign. Review status: criteria provided, multiple submitters, no conflicts (2 of 4 stars). 4 submissions from 4 submitters: Benign (3). 1 of the submissions does not count toward it. Last evaluated 2026-01-19.

Conditions:
KRT5-related disorder. Also called: KRT5-related condition.
Epidermolysis bullosa simplex. Also called: Epidermolysis bullosa simplex, Weber-Cockayne type (subtype); Epidermolysis bullosa simplex, Dowling-Meara type (subtype); Epidermolysis bullosa simplex with mottled pigmentation (subtype). Identifiers: Orphanet 304, MedGen C0079298, MONDO:0017610.

Allele frequency attached by ClinVar (database versions not stated): gnomAD exomes 0.00246; gnomAD 0.01877; ESP Exome Variant Server 0.02224; TOPMed 0.02224; 1000 Genomes Project 0.02416; 1000 Genomes Project 30x 0.02592.
gnomAD v4.1: 6,949 of 1,613,776 alleles (0.43%); highest among the groups gnomAD compares: African/African-American, 7%; 207 homozygotes.

Submissions (4):

Labcorp Genetics (formerly Invitae), Labcorp
Classification: Benign. Last evaluated: 2026-01-19. Review status: criteria provided, single submitter. Criteria: Invitae Variant Classification Sherloc (09022015). Collection method: clinical testing. Allele origin: germline.

Illumina Laboratory Services, Illumina
Classification: Benign for Epidermolysis bullosa simplex. Last evaluated: 2018-01-13. Review status: criteria provided, single submitter. Criteria: ICSL Variant Classification Criteria 13 December 2019. Collection method: clinical testing. Allele origin: germline.
Comment: This variant was observed in the ICSL laboratory as part of a predisposition screen in an ostensibly healthy population. It had not been previously curated by ICSL or reported in the Human Gene Mutation Database (HGMD: prior to June 1st, 2018), and was therefore a candidate for classification through an automated scoring system. Utilizing variant allele frequency, disease prevalence and penetrance estimates, and inheritance mode, an automated score was calculated to assess if this variant is too frequent to cause the disease. Based on the score and internal cut-off values, a variant classified as benign is not then subjected to further curation. The score for this variant resulted in a classification of benign for this disease.

Breakthrough Genomics
Classification: Benign. Review status: criteria provided, single submitter. Criteria: ACMG Guidelines, 2015. Collection method: not provided. Allele origin: germline. Inheritance: Autosomal recessive inheritance. Affected: yes.

PreventionGenetics, part of Exact Sciences
Classification: Benign for KRT5-related condition. Last evaluated: 2019-10-29. Review status: no assertion criteria provided. Collection method: clinical testing. Allele origin: germline. Not counted in ClinVar's aggregate classification.
Comment: This variant is classified as benign based on ACMG/AMP sequence variant interpretation guidelines (Richards et al. 2015 PMID: 25741868, with internal and published modifications).

NM_000424.4(KRT5):c.142A>C (p.Arg48=)

Gene: KRT5 (keratin 5; minus strand). Cytogenetic location: 12q13.13.
Variant type: single nucleotide variant.
Coding change: c.142A>C on transcript NM_000424.4 (MANE Select); coding-DNA position 142, A replaced by C.
Protein change: p.Arg48=; no amino-acid change (arginine 48 retained).
Molecular consequence: synonymous variant.
Genome position (GRCh38, 1-based): chr12:52,520,155, T>G on the plus strand (A>C on the coding strand, the complement: KRT5 is on the minus strand). VCF-style: chr12-52520155-T-G. GRCh37 (hg19) VCF-style: chr12-52913939-T-G.
Identifiers: ClinVar variation 309572 (VCV000309572.17), dbSNP rs61747180, ClinGen allele CA6582909.
Genomic context (GRCh38, chr12:52,520,155, plus strand): 5'-GGTTGTAGAGGCTCCGGCTGCCATAGCCACCCACTCCACAAGCACCCGCAAGGCTGACCC[T>G]GCCGAAGCCACCACCACCGCCACCCCCGGACCGGGACACGGAGGTGAAGCTGGTGCGGGA-3'
Protein context (NP_000415.2, residues 38-58): SGGGGGGGFG[Arg48=]VSLAGACGVG